The following is an entry in ClinVar:

NM_004560.4(ROR2):c.1799C>T (p.Ala600Val)

Gene: ROR2 (receptor tyrosine kinase like orphan receptor 2; minus strand). Cytogenetic location: 9q22.31.
Variant type: single nucleotide variant.
Coding change: c.1799C>T on transcript NM_004560.4 (MANE Select); coding-DNA position 1799, C replaced by T.
Protein change: p.Ala600Val; replaces alanine 600 with valine.
Molecular consequence: missense variant.
Genome position (GRCh38, 1-based): chr9:91,724,695, G>A on the plus strand (C>T on the coding strand, the complement: ROR2 is on the minus strand). VCF-style: chr9-91724695-G-A. GRCh37 (hg19) VCF-style: chr9-94486977-G-A.
Other names: short protein forms A600V.
Identifiers: ClinVar variation 1463306 (VCV001463306.9), dbSNP rs143738026, ClinGen allele CA5120560.

ClinVar aggregate classification (germline): Uncertain significance. Review status: criteria provided, multiple submitters, no conflicts (2 of 4 stars). 2 submissions from 2 submitters: Uncertain significance (2). Last evaluated 2023-04-07.

Conditions:
Brachydactyly type B1 (BDB1). Identifiers: Orphanet 572385, Orphanet 93383, MedGen C1862112, MONDO:0007220, OMIM 113000.
Autosomal recessive Robinow syndrome (RRS1). Also called: ROR2-Related Robinow Syndrome; ROBINOW SYNDROME, AUTOSOMAL RECESSIVE 1; COSTOVERTEBRAL SEGMENTATION DEFECT WITH MESOMELIA; COVESDEM SYNDROME. Identifiers: Orphanet 1507, Orphanet 97360, MedGen C5399974, MONDO:0009999, OMIM 268310.

Allele frequency attached by ClinVar (database versions not stated): gnomAD 0.00003; gnomAD exomes 0.00003 and 0.00006; TOPMed 0.00003; ExAC 0.00005; ESP Exome Variant Server 0.00008.
gnomAD v4.1: 86 of 1,614,068 alleles (0.0053%); highest among the groups gnomAD compares: Middle Eastern, 0.016%; no homozygotes.

Submissions (2):

Labcorp Genetics (formerly Invitae), Labcorp
Classification: Uncertain significance. Last evaluated: 2023-04-07. Review status: criteria provided, single submitter. Criteria: Invitae Variant Classification Sherloc (09022015). Collection method: clinical testing. Allele origin: germline.
Comment: This sequence change replaces alanine, which is neutral and non-polar, with valine, which is neutral and non-polar, at codon 600 of the ROR2 protein (p.Ala600Val). This variant is present in population databases (rs143738026, gnomAD 0.009%). In summary, the available evidence is currently insufficient to determine the role of this variant in disease. Therefore, it has been classified as a Variant of Uncertain Significance. Advanced modeling of protein sequence and biophysical properties (such as structural, functional, and spatial information, amino acid conservation, physicochemical variation, residue mobility, and thermodynamic stability) has been performed at Invitae for this missense variant, however the output from this modeling did not meet the statistical confidence thresholds required to predict the impact of this variant on ROR2 protein function. ClinVar contains an entry for this variant (Variation ID: 1463306). This variant has not been reported in the literature in individuals affected with ROR2-related conditions.

Fulgent Genetics
Classification: Uncertain significance for Brachydactyly type B1; Autosomal recessive Robinow syndrome. Last evaluated: 2021-12-28. Review status: criteria provided, single submitter. Criteria: ACMG Guidelines, 2015. Collection method: clinical testing. Allele origin: unknown.